The following is an entry in ClinVar:

ClinVar aggregate classification (germline): Uncertain significance. Review status: criteria provided, multiple submitters, no conflicts (2 of 4 stars). 4 submissions from 4 submitters: Uncertain significance (4). Last evaluated 2024-09-12.

Conditions:
Inborn genetic diseases. Identifiers: MedGen C0950123, MeSH D030342.
NLRP3-related disorder. Also called: NLRP3-related condition; NLRP3-Related Disorders.

Allele frequency attached by ClinVar (database versions not stated): gnomAD 0.00001; gnomAD exomes 0.00001; TOPMed 0.00001; ExAC 0.00002.
gnomAD v4.1: 17 of 1,613,802 alleles (0.0011%); highest among the groups gnomAD compares: South Asian, 0.0044%; no homozygotes.

Submissions (4):

GeneDx
Classification: Uncertain significance. Last evaluated: 2024-09-12. Review status: criteria provided, single submitter. Criteria: GeneDx Variant Classification Process June 2021. Collection method: clinical testing. Allele origin: germline. Affected: yes.
Comment: In silico analysis indicates that this missense variant does not alter protein structure/function; Has not been previously published as pathogenic or benign to our knowledge; Also known as R5H

PreventionGenetics, part of Exact Sciences
Classification: Uncertain significance for NLRP3-related condition. Last evaluated: 2022-09-22. Review status: criteria provided, single submitter. Criteria: ACMG Guidelines, 2015. Collection method: clinical testing. Allele origin: germline.
Comment: The NLRP3 c.20G>A variant is predicted to result in the amino acid substitution p.Arg7His. To our knowledge, this variant has not been reported in the literature. This variant is reported in 0.0062% of alleles in individuals of African descent in gnomAD. At this time, the clinical significance of this variant is uncertain due to the absence of conclusive functional and genetic evidence.

Blueprint Genetics
Classification: Uncertain significance. Last evaluated: 2021-06-22. Review status: criteria provided, single submitter. Criteria: ACMG Guidelines, 2015. Collection method: clinical testing. Allele origin: germline.

Ambry Genetics
Classification: Uncertain significance for Inborn genetic diseases. Last evaluated: 2021-06-03. Review status: criteria provided, single submitter. Criteria: Ambry Variant Classification Scheme 2023. Collection method: clinical testing. Allele origin: germline.

NM_001243133.2(NLRP3):c.14G>A (p.Arg5His)

Gene: NLRP3 (NLR family pyrin domain containing 3; plus strand). Cytogenetic location: 1q44.
Variant type: single nucleotide variant.
Coding change: c.14G>A on transcript NM_001243133.2 (MANE Select); coding-DNA position 14, G replaced by A.
Protein change: p.Arg5His; replaces arginine 5 with histidine.
Molecular consequence: missense variant.
Genome position (GRCh38, 1-based): chr1:247,418,814, G>A. VCF-style: chr1-247418814-G-A. GRCh37 (hg19) VCF-style: chr1-247582116-G-A.
Other names: c.14G>A, p.Arg5His (NM_001079821.3, NM_001127461.3, NM_001127462.3 and 1 more transcripts); c.20G>A, p.Arg7His (NM_004895.5); short protein forms R5H, R7H.
Identifiers: ClinVar variation 2231156 (VCV002231156.5), dbSNP rs772104857, ClinGen allele CA1494733.